The following is an entry in ClinVar:

NM_000358.3(TGFBI):c.*267C>A

Gene: TGFBI (transforming growth factor beta induced; plus strand). Cytogenetic location: 5q31.1.
Variant type: single nucleotide variant.
Coding change: c.*267C>A on transcript NM_000358.3 (MANE Select); 267 bases downstream of the stop codon, C replaced by A.
Molecular consequence: 3 prime UTR variant.
Genome position (GRCh38, 1-based): chr5:136,063,493, C>A. VCF-style: chr5-136063493-C-A. GRCh37 (hg19) VCF-style: chr5-135399182-C-A.
Identifiers: ClinVar variation 350899 (VCV000350899.5), dbSNP rs17169782, ClinGen allele CA10622598.

ClinVar aggregate classification (germline): Benign (1 of 4 stars; one submission).

Conditions:
Corneal dystrophy. Identifiers: Orphanet 34533, MedGen C0010036, MONDO:0018102, HP:0001131.

Allele frequency attached by ClinVar (database versions not stated): gnomAD exomes 0.00385; gnomAD 0.03091 and 0.03306; TOPMed 0.03412; 1000 Genomes Project 0.03654; 1000 Genomes Project 30x 0.04076.
gnomAD v4.1: 5,913 of 454,654 alleles (1.3%); highest among the groups gnomAD compares: African/African-American, 11%; 278 homozygotes.

Submission:

Illumina Laboratory Services, Illumina
Classification: Benign for Corneal dystrophy. Last evaluated: 2018-01-12. Review status: criteria provided, single submitter. Criteria: ICSL Variant Classification Criteria 13 December 2019. Collection method: clinical testing. Allele origin: germline.
Comment: This variant was observed in the ICSL laboratory as part of a predisposition screen in an ostensibly healthy population. It had not been previously curated by ICSL or reported in the Human Gene Mutation Database (HGMD: prior to June 1st, 2018), and was therefore a candidate for classification through an automated scoring system. Utilizing variant allele frequency, disease prevalence and penetrance estimates, and inheritance mode, an automated score was calculated to assess if this variant is too frequent to cause the disease. Based on the score and internal cut-off values, a variant classified as benign is not then subjected to further curation. The score for this variant resulted in a classification of benign for this disease.